The following is an entry in ClinVar:

NM_001267550.2(TTN):c.11311+1610del

Gene: TTN (titin; minus strand). Cytogenetic location: 2q31.2.
Variant type: Deletion.
Coding change: c.11311+1610del on transcript NM_001267550.2 (MANE Select); 1610 bases into the intron after coding-DNA position 11311, one base deleted (A; older notation c.11311+1610delA).
Molecular consequence: intron variant. On other transcripts: frameshift variant (1).
Genome position (GRCh38, 1-based): chr2:178,751,514, T deleted on the plus strand (A on the coding strand, the reverse complement: TTN is on the minus strand). VCF-style (leftmost placement, unchanged base first): chr2-178751513-AT-A. GRCh37 (hg19) VCF-style: chr2-179616240-AT-A.
Other names: c.10886del, p.Asp3629fs (NM_133379.5); c.10222+1610del (NM_003319.4); c.10798+1610del (NM_133437.4); c.10597+1610del (NM_133432.3); c.10360+1610del (NM_133378.4, NM_001256850.1); short protein forms D3629fs.
Identifiers: ClinVar variation 3776369 (VCV003776369.1).
Genomic context (GRCh38, chr2:178,751,513, plus strand): 5'-TTCCACATCTTGTTTTTTGTTAAAGGGAGAGCCAGTAAACCTCAGGTCAACCTTTATCCT[AT>A]CTTCTCCCCTTTCAACTAAAGCCTCCACATTTTCATGTGTCCGTTCTGCTCTTTTCAGAA-3'

ClinVar aggregate classification (germline): Uncertain significance (1 of 4 stars; one submission).

Submission:

GeneDx
Classification: Uncertain significance. Last evaluated: 2024-10-04. Review status: criteria provided, single submitter. Criteria: GeneDx Variant Classification Process June 2021. Collection method: clinical testing. Allele origin: germline. Affected: yes.
Comment: Not observed at significant frequency in large population cohorts (gnomAD); Frameshift variant predicted to result in abnormal protein length as the last 1976 amino acids are replaced with 2 different amino acids; Has not been previously published as pathogenic or benign to our knowledge; Reported using an alternate transcript of the gene; This variant is associated with the following publications: (PMID: 27625338, 27869827)